The following is an entry in ClinVar:

NM_004006.3(DMD):c.2346A>T (p.Arg782Ser)

Gene: DMD (dystrophin; minus strand). Cytogenetic location: Xp21.1.
Variant type: single nucleotide variant.
Coding change: c.2346A>T on transcript NM_004006.3 (MANE Select); coding-DNA position 2346, A replaced by T.
Protein change: p.Arg782Ser; replaces arginine 782 with serine.
Molecular consequence: missense variant.
Genome position (GRCh38, 1-based): chrX:32,501,789, T>A on the plus strand (A>T on the coding strand, the complement: DMD is on the minus strand). VCF-style: chrX-32501789-T-A. GRCh37 (hg19) VCF-style: chrX-32519906-T-A.
Other names: c.2322A>T, p.Arg774Ser (NM_000109.4); c.2334A>T, p.Arg778Ser (NM_004009.3); c.1977A>T, p.Arg659Ser (NM_004010.3); c.2346A>T (NM_004006.2); short protein forms R659S, R774S, R778S, R782S.
Identifiers: ClinVar variation 1027173 (VCV001027173.10), dbSNP rs150692967, ClinGen allele CA10379553.

ClinVar aggregate classification (germline): Conflicting classifications of pathogenicity. Review status: criteria provided, conflicting classifications (1 of 4 stars). 4 submissions from 4 submitters: Uncertain significance (2); Benign (1). 1 of the submissions does not count toward it. Last evaluated 2026-01-12.

Conditions:
Cardiomyopathy (CMYO). Also called: Cardiomyopathies. Identifiers: Orphanet 167848, MedGen C0878544, MONDO:0004994, HP:0001638. Inheritance: Various modes of inheritance.
Dystrophin deficiency.
Duchenne muscular dystrophy (DMD). Also called: MUSCULAR DYSTROPHY, PSEUDOHYPERTROPHIC PROGRESSIVE, DUCHENNE TYPE; Duchenne Muscular Dystrophy (DMD). Identifiers: Orphanet 98896, MedGen C0013264, MONDO:0010679, OMIM 310200.
Becker muscular dystrophy (BMD). Also called: Becker Muscular Dystrophy (BMD); MUSCULAR DYSTROPHY, PSEUDOHYPERTROPHIC PROGRESSIVE, BECKER TYPE. Identifiers: Orphanet 98895, MedGen C0917713, MONDO:0010311, OMIM 300376.
Cardiovascular phenotype. Identifiers: MedGen CN230736.
Dilated cardiomyopathy 3B (CMD3B). Also called: CMD3B: DMD-Related Dilated Cardiomyopathy; CARDIOMYOPATHY, DILATED, X-LINKED; DMD-Associated Dilated Cardiomyopathy. Identifiers: Orphanet 154, MedGen C3668940, MONDO:0010542, OMIM 302045.

Allele frequency attached by ClinVar (database versions not stated): ExAC 0.00001; gnomAD exomes 0.00001; gnomAD 0.00004; TOPMed 0.00005; ESP Exome Variant Server 0.00009.
gnomAD v4.1: 7 of 1,208,021 alleles (0.00058%); highest among the groups gnomAD compares: African/African-American, 0.012%; no homozygotes.

Submissions (4):

Labcorp Genetics (formerly Invitae), Labcorp
Classification: Benign for Duchenne muscular dystrophy. Last evaluated: 2026-01-12. Review status: criteria provided, single submitter. Criteria: Invitae Variant Classification Sherloc (09022015). Collection method: clinical testing. Allele origin: germline.

Ambry Genetics
Classification: Uncertain significance for Cardiovascular phenotype. Last evaluated: 2023-12-26. Review status: criteria provided, single submitter. Criteria: Ambry Variant Classification Scheme 2023. Collection method: clinical testing. Allele origin: germline.
Comment: The p.R782S variant (also known as c.2346A>T), located in coding exon 19 of the DMD gene, results from an A to T substitution at nucleotide position 2346. The arginine at codon 782 is replaced by serine, an amino acid with dissimilar properties. Based on data from gnomAD, the T allele has an overall frequency of 0.0006% (1/179137) total alleles studied, with 0 hemizygote(s) observed. The highest observed frequency was 0.0077% (1/12989) of African alleles. This amino acid position is highly conserved in available vertebrate species. In addition, this alteration is predicted to be tolerated by in silico analysis. Since supporting evidence is limited at this time, the clinical significance of this alteration remains unclear.

Fulgent Genetics
Classification: Uncertain significance for Becker muscular dystrophy; Dilated cardiomyopathy 3B; Duchenne muscular dystrophy. Last evaluated: 2021-09-21. Review status: criteria provided, single submitter. Criteria: ACMG Guidelines, 2015. Collection method: clinical testing. Allele origin: unknown.

Natera, Inc.
Classification: Uncertain significance for Becker muscular dystrophy; Cardiomyopathy; Duchenne muscular dystrophy; Dystrophin deficiency. Last evaluated: 2018-06-25. Review status: no assertion criteria provided. Collection method: clinical testing. Allele origin: germline. Not counted in ClinVar's aggregate classification.